The following is an entry in ClinVar:

ClinVar aggregate classification (germline): Likely benign (1 of 4 stars; one submission).

Submission:

CeGaT Center for Human Genetics Tuebingen
Classification: Likely benign. Last evaluated: 2022-10-01. Review status: criteria provided, single submitter. Criteria: CeGaT Center For Human Genetics Tuebingen Variant Classification Criteria Version 2. Collection method: clinical testing. Allele origin: germline. Affected: yes. Observed: 1 variant allele.
Comment: MUC4: BP4

NM_018406.7(MUC4):c.11488G>C (p.Ala3830Pro)

Gene: MUC4 (mucin 4, cell surface associated). Cytogenetic location: 3q29.
Variant type: single nucleotide variant.
Coding change: c.11488G>C on transcript NM_018406.7 (MANE Select); coding-DNA position 11488, G replaced by C.
Protein change: p.Ala3830Pro; replaces alanine 3830 with proline.
Molecular consequence: missense variant. On other transcripts: genic upstream transcript variant (2).
Genome position (GRCh38, 1-based): chr3:195,780,092, C>G on the plus strand (G>C on the coding strand, the complement: MUC4 is on the minus strand). VCF-style: chr3-195780092-C-G. GRCh37 (hg19) VCF-style: chr3-195506963-C-G.
Other names: c.83-5787G>C (NM_138297.5); c.83-1637G>C (NM_004532.6); c.16354A>C, p.Thr5452Pro (NM_001322468.1); short protein forms A3830P, T5452P.
Identifiers: ClinVar variation 2654405 (VCV002654405.24), dbSNP rs199588013, ClinGen allele CA2769427.
Genomic context (GRCh38, chr3:195,780,092, plus strand): 5'-ATACTGAGGAAGGGATGGTGACAGGAAGAGGGGTGGCGTGACCTGTGGATGCTGAGGAAG[C>G]GTCGGTGACAGGAAGAGGGGTGGTGTCACCTGTGGATACTGAGGAAAGGCTGGTGACAGG-3'
Protein context (NP_060876.5, residues 3820-3840): GDTTPLPVTD[Ala3830Pro]SSASTGHATP